The following is an entry in ClinVar:

ClinVar aggregate classification (germline): Conflicting classifications of pathogenicity. Review status: criteria provided, conflicting classifications (1 of 4 stars). 2 submissions from 2 submitters: Uncertain significance (1); Likely benign (1). Last evaluated 2025-09-10.

Conditions:
Inborn genetic diseases. Identifiers: MedGen C0950123, MeSH D030342.
Mosaic variegated aneuploidy syndrome 1 (MVA1). Also called: Warburton-Anyane-Yeboa syndrome. Identifiers: Orphanet 1052, MedGen C1850343, MONDO:0009759, OMIM 257300.

Allele frequency attached by ClinVar (database versions not stated): gnomAD exomes below 0.00001; gnomAD 0.00001; TOPMed 0.00003.
gnomAD v4.1: 4 of 1,611,032 alleles (0.00025%); highest among the groups gnomAD compares: African/African-American, 0.0053%; no homozygotes.

Submissions (2):

Ambry Genetics
Classification: Likely benign for Inborn genetic diseases. Last evaluated: 2025-09-10. Review status: criteria provided, single submitter. Criteria: Ambry Variant Classification Scheme 2023. Collection method: clinical testing. Allele origin: germline.

Labcorp Genetics (formerly Invitae), Labcorp
Classification: Uncertain significance for Mosaic variegated aneuploidy syndrome 1. Last evaluated: 2023-08-08. Review status: criteria provided, single submitter. Criteria: Invitae Variant Classification Sherloc (09022015). Collection method: clinical testing. Allele origin: germline.
Comment: This sequence change replaces serine, which is neutral and polar, with alanine, which is neutral and non-polar, at codon 714 of the BUB1B protein (p.Ser714Ala). This variant is present in population databases (no rsID available, gnomAD 0.02%). This variant has not been reported in the literature in individuals affected with BUB1B-related conditions. ClinVar contains an entry for this variant (Variation ID: 1786587). Algorithms developed to predict the effect of missense changes on protein structure and function output the following: SIFT: "Not Available"; PolyPhen-2: "Benign"; Align-GVGD: "Not Available". The alanine amino acid residue is found in multiple mammalian species, which suggests that this missense change does not adversely affect protein function. In summary, the available evidence is currently insufficient to determine the role of this variant in disease. Therefore, it has been classified as a Variant of Uncertain Significance.

NM_001211.6(BUB1B):c.2140T>G (p.Ser714Ala)

Gene: BUB1B (BUB1 mitotic checkpoint serine/threonine kinase B; plus strand). Cytogenetic location: 15q15.1.
Variant type: single nucleotide variant.
Coding change: c.2140T>G on transcript NM_001211.6 (MANE Select); coding-DNA position 2140, T replaced by G.
Protein change: p.Ser714Ala; replaces serine 714 with alanine.
Molecular consequence: missense variant.
Genome position (GRCh38, 1-based): chr15:40,208,767, T>G. VCF-style: chr15-40208767-T-G. GRCh37 (hg19) VCF-style: chr15-40500968-T-G.
Other names: short protein forms S714A.
Identifiers: ClinVar variation 1786587 (VCV001786587.6), dbSNP rs1326535455, ClinGen allele CA391693962.
Genomic context (GRCh38, chr15:40,208,767, plus strand): 5'-AGCACCTCCTCCATCAAATGTCTTCAAATTCCTGAGAAACTAGAACTTACTAATGAGACT[T>G]CAGGTAGGATATACATACCACTATATCCATGCCTAGTGAACACTTGTTTATCTCAGCAAA-3'
Protein context (NP_001202.5, residues 704-724): PEKLELTNET[Ser714Ala]ENPTQSPWCS